The following is an entry in ClinVar:

ClinVar aggregate classification (germline): Uncertain significance. Review status: criteria provided, multiple submitters, no conflicts (2 of 4 stars). 2 submissions from 2 submitters: Uncertain significance (2). Last evaluated 2022-01-28.

Conditions:
Charcot-Marie-Tooth disease. Also called: Charcot-Marie-Tooth Hereditary Neuropathy; Charcot-Marie-Tooth Neuropathy. Identifiers: Orphanet 166, MedGen C0007959, MONDO:0015626.
Charcot-Marie-Tooth disease type 4. Also called: Charcot-Marie-Tooth, Type 4; Charcot-Marie-Tooth disease, type IV. Identifiers: Orphanet 64749, MedGen C4082197, MONDO:0018995.

Allele frequency attached by ClinVar (database versions not stated): gnomAD exomes 0.00001; ExAC 0.00002.
gnomAD v4.1: 5 of 1,614,168 alleles (0.00031%); highest among the groups gnomAD compares: Non-Finnish European, 0.00042%; no homozygotes.

Submissions (2):

Labcorp Genetics (formerly Invitae), Labcorp
Classification: Uncertain significance for Charcot-Marie-Tooth disease type 4. Last evaluated: 2022-01-28. Review status: criteria provided, single submitter. Criteria: Invitae Variant Classification Sherloc (09022015). Collection method: clinical testing. Allele origin: germline.
Comment: In summary, the available evidence is currently insufficient to determine the role of this variant in disease. Therefore, it has been classified as a Variant of Uncertain Significance. Advanced modeling of protein sequence and biophysical properties (such as structural, functional, and spatial information, amino acid conservation, physicochemical variation, residue mobility, and thermodynamic stability) performed at Invitae indicates that this missense variant is not expected to disrupt SH3TC2 protein function. ClinVar contains an entry for this variant (Variation ID: 916951). This missense change has been observed in individual(s) with clinical features of Charcot-Marie-Tooth disease (PMID: 32376792). This variant is present in population databases (rs779075488, gnomAD 0.002%). This sequence change replaces glutamic acid, which is acidic and polar, with lysine, which is basic and polar, at codon 72 of the SH3TC2 protein (p.Glu72Lys).

Molecular Genetics Laboratory, London Health Sciences Centre
Classification: Uncertain significance for Charcot-Marie-Tooth disease. Review status: criteria provided, single submitter. Criteria: ACMG Guidelines, 2015. Collection method: clinical testing. Allele origin: germline. Affected: yes.

Literature cited by the submitters: PubMed 32376792 (cited by Labcorp Genetics (formerly Invitae), Labcorp).

NM_024577.4(SH3TC2):c.214G>A (p.Glu72Lys)

Gene: SH3TC2 (SH3 domain and tetratricopeptide repeats 2; minus strand). Cytogenetic location: 5q32.
Variant type: single nucleotide variant.
Coding change: c.214G>A on transcript NM_024577.4 (MANE Select); coding-DNA position 214, G replaced by A.
Protein change: p.Glu72Lys; replaces glutamic acid 72 with lysine.
Molecular consequence: missense variant.
Genome position (GRCh38, 1-based): chr5:149,047,927, C>T on the plus strand (G>A on the coding strand, the complement: SH3TC2 is on the minus strand). VCF-style: chr5-149047927-C-T. GRCh37 (hg19) VCF-style: chr5-148427490-C-T.
Other names: short protein forms E72K.
Identifiers: ClinVar variation 916951 (VCV000916951.5), dbSNP rs779075488, ClinGen allele CA3499596.